The following is an entry in ClinVar:

ClinVar aggregate classification (germline): Pathogenic/Likely pathogenic. Review status: criteria provided, multiple submitters, no conflicts (2 of 4 stars). 5 submissions from 5 submitters: Pathogenic (2); Likely pathogenic (3). Last evaluated 2025-08-27.

Conditions:
Aplastic anemia. Identifiers: Orphanet 182040, Orphanet 88, MedGen C0002874, MONDO:0015909, OMIM 609135, HP:0001915.
Familial hemophagocytic lymphohistiocytosis (FHL). Also called: Hereditary hemophagocytic lymphohistiocytosis; Familial erythrophagocytic lymphohistiocytosis; Familial histiocytic reticulosis. Identifiers: Orphanet 158038, Orphanet 540, MedGen C0272199, MONDO:0015541.
Familial hemophagocytic lymphohistiocytosis 2 (FHL2). Also called: PRF1-Related Familial Hemophagocytic Lymphohistiocytosis (PRF1-fHLH). Identifiers: Orphanet 540, MedGen C1863727, MONDO:0011337, OMIM 603553.
Lymphoma, non-Hodgkin, familial. Identifiers: MedGen C4721532, MONDO:0011508, OMIM 605027.

Allele frequency attached by ClinVar (database versions not stated): 1000 Genomes Project 30x 0.00016; 1000 Genomes Project 0.00020; gnomAD exomes 0.00002 and 0.00005; TOPMed 0.00002; gnomAD 0.00004; ExAC 0.00005; ESP Exome Variant Server 0.00008.
gnomAD v4.1: 34 of 1,613,524 alleles (0.0021%); highest among the groups gnomAD compares: East Asian, 0.031%; no homozygotes.

Submissions (5):

Labcorp Genetics (formerly Invitae), Labcorp
Classification: Pathogenic for Familial hemophagocytic lymphohistiocytosis 2. Last evaluated: 2025-08-27. Review status: criteria provided, single submitter. Criteria: Invitae Variant Classification Sherloc (09022015). Collection method: clinical testing. Allele origin: germline.
Comment: This sequence change replaces arginine, which is basic and polar, with tryptophan, which is neutral and slightly polar, at codon 410 of the PRF1 protein (p.Arg410Trp). This variant is present in population databases (rs139322149, gnomAD 0.03%). This missense change has been observed in individual(s) with hemophagocytic lymphohistiocytosis (PMID: 17266056, 29357941). In at least one individual the data is consistent with being in trans (on the opposite chromosome) from a pathogenic variant. ClinVar contains an entry for this variant (Variation ID: 1067731). Invitae Evidence Modeling of protein sequence and biophysical properties (such as structural, functional, and spatial information, amino acid conservation, physicochemical variation, residue mobility, and thermodynamic stability) indicates that this missense variant is expected to disrupt PRF1 protein function with a positive predictive value of 95%. Experimental studies have shown that this missense change affects PRF1 function (PMID: 15632205, 27622035). This variant disrupts the p.Arg410 amino acid residue in PRF1. Other variant(s) that disrupt this residue have been determined to be pathogenic (PMID: 14576041, 29239076). This suggests that this residue is clinically significant, and that variants that disrupt this residue are likely to be disease-causing. For these reasons, this variant has been classified as Pathogenic.

Baylor Genetics
Classification: Likely pathogenic for Aplastic anemia. Last evaluated: 2024-02-29. Review status: criteria provided, single submitter. Criteria: ACMG Guidelines, 2015. Collection method: clinical testing. Allele origin: unknown.

Women's Health and Genetics/Laboratory Corporation of America, LabCorp
Classification: Pathogenic for Familial hemophagocytic lymphohistiocytosis. Last evaluated: 2022-06-08. Review status: criteria provided, single submitter. Criteria: LabCorp Variant Classification Summary - May 2015. Collection method: clinical testing. Allele origin: germline.
Comment: Variant summary: PRF1 c.1228C>T (p.Arg410Trp) results in a non-conservative amino acid change located in the C2 domain (IPR000008) of the encoded protein sequence. Four of five in-silico tools predict a damaging effect of the variant on protein function. The variant allele was found at a frequency of 5.2e-05 in 248592 control chromosomes (gnomAD). This frequency is not significantly higher than expected for a pathogenic variant in PRF1 causing Familial Hemophagocytic Lymphohistiocytosis (5.2e-05 vs 0.0027), allowing no conclusion about variant significance. c.1228C>T has been reported in the literature in individuals affected with familial haemophagocytic lymphohistiocytosis type 2, chronic myelomonocytic leukemia or haematological malignancy and solid cancer (Ueda_2007, An_2013, Chaudhry_2016, Zhang_2020). These data indicate that the variant is likely to be associated with disease. At least one functional study reports this variant results in reducing PRF activity in transfected cells (Chaudhry_2016). In addition, other missense substitutions at this codon (R410P, R410Q) were found in affected individuals in HGMD database, indicating the arginine residue is critical for protein function. One ClinVar submitter (evaluation after 2014) cites the variant as pathogenic. Based on the evidence outlined above, the variant was classified as pathogenic.

Fulgent Genetics
Classification: Likely pathogenic for Familial hemophagocytic lymphohistiocytosis 2; Lymphoma, non-Hodgkin, familial; Aplastic anemia. Last evaluated: 2022-03-14. Review status: criteria provided, single submitter. Criteria: ACMG Guidelines, 2015. Collection method: clinical testing. Allele origin: unknown.

Juno Genomics, Hangzhou Juno Genomics, Inc
Classification: Likely pathogenic for Familial hemophagocytic lymphohistiocytosis 2. Review status: criteria provided, single submitter. Criteria: ACMG Guidelines, 2015. Collection method: clinical testing. Allele origin: germline.
Comment: Absent from controls (or at extremely low frequency if recessive) in Genome Aggregation Database.;For recessive disorders, detected in trans with a pathogenic variant.;Patient's phenotype or family history is highly specific for a disease with a single genetic etiology.

Literature cited by the submitters: PubMed 17266056 (cited by Labcorp Genetics (formerly Invitae), Labcorp); PubMed 29357941 (cited by Labcorp Genetics (formerly Invitae), Labcorp); PubMed 15632205 (cited by Labcorp Genetics (formerly Invitae), Labcorp); PubMed 27622035 (cited by Labcorp Genetics (formerly Invitae), Labcorp and Women's Health and Genetics/Laboratory Corporation of America, LabCorp); PubMed 14576041 (cited by Labcorp Genetics (formerly Invitae), Labcorp); PubMed 29239076 (cited by Labcorp Genetics (formerly Invitae), Labcorp); PubMed 23592409 (cited by Women's Health and Genetics/Laboratory Corporation of America, LabCorp); PubMed 32375849 (cited by Women's Health and Genetics/Laboratory Corporation of America, LabCorp); PubMed 16443553 (cited by Women's Health and Genetics/Laboratory Corporation of America, LabCorp).

NM_001083116.3(PRF1):c.1228C>T (p.Arg410Trp)

Gene: PRF1 (perforin 1; minus strand). Cytogenetic location: 10q22.1.
Variant type: single nucleotide variant.
Coding change: c.1228C>T on transcript NM_001083116.3 (MANE Select); coding-DNA position 1228, C replaced by T.
Protein change: p.Arg410Trp; replaces arginine 410 with tryptophan.
Molecular consequence: missense variant.
Genome position (GRCh38, 1-based): chr10:70,598,493, G>A on the plus strand (C>T on the coding strand, the complement: PRF1 is on the minus strand). VCF-style: chr10-70598493-G-A. GRCh37 (hg19) VCF-style: chr10-72358249-G-A.
Other names: c.1228C>T, p.Arg410Trp (NM_005041.6); short protein forms R410W.
Identifiers: ClinVar variation 1067731 (VCV001067731.13), dbSNP rs139322149, ClinGen allele CA5538789.